The following is an entry in ClinVar:

NM_005732.4(RAD50):c.3257T>C (p.Ile1086Thr)

Gene: RAD50 (RAD50 double strand break repair protein; plus strand). Cytogenetic location: 5q31.1.
Variant type: single nucleotide variant.
Coding change: c.3257T>C on transcript NM_005732.4 (MANE Select); coding-DNA position 3257, T replaced by C.
Protein change: p.Ile1086Thr; replaces isoleucine 1086 with threonine.
Molecular consequence: missense variant.
Genome position (GRCh38, 1-based): chr5:132,618,162, T>C. VCF-style: chr5-132618162-T-C. GRCh37 (hg19) VCF-style: chr5-131953854-T-C.
Other names: short protein forms I1086T.
Identifiers: ClinVar variation 141187 (VCV000141187.15), dbSNP rs587781561, ClinGen allele CA164710.
Genomic context (GRCh38, chr5:132,618,162, plus strand): 5'-ATATAAAAAGAAATCATAATTTGGCATTAGGGCGACAGAAAGGTTATGAAGAAGAAATTA[T>C]TCATTTTAAGAAAGAACTTCGAGAACCACAATTTCGGGATGCTGAGGAAAAGTATAGAGA-3'
Protein context (NP_005723.2, residues 1076-1096): GRQKGYEEEI[Ile1086Thr]HFKKELREPQ

ClinVar aggregate classification (germline): Uncertain significance. Review status: criteria provided, multiple submitters, no conflicts (2 of 4 stars). 2 submissions from 2 submitters: Uncertain significance (2). Last evaluated 2024-08-12.

Conditions:
Hereditary cancer-predisposing syndrome. Also called: Neoplastic Syndromes, Hereditary; Tumor predisposition; Hereditary Cancer Syndrome; Hereditary neoplastic syndrome. Identifiers: Orphanet 140162, MedGen C0027672, MeSH D009386, MONDO:0015356.

Allele frequency attached by ClinVar (database versions not stated): gnomAD exomes below 0.00001.
gnomAD v4.1: 2 of 1,613,890 alleles (0.00012%); highest among the groups gnomAD compares: Non-Finnish European, 0.00017%; no homozygotes.

Submissions (2):

Ambry Genetics
Classification: Uncertain significance for Hereditary cancer-predisposing syndrome. Last evaluated: 2024-08-12. Review status: criteria provided, single submitter. Criteria: Ambry Variant Classification Scheme 2023. Collection method: clinical testing. Allele origin: germline.
Comment: The p.I1086T variant (also known as c.3257T>C), located in coding exon 21 of the RAD50 gene, results from a T to C substitution at nucleotide position 3257. The isoleucine at codon 1086 is replaced by threonine, an amino acid with similar properties. This variant was not reported in population based cohorts in the following databases: Database of Single Nucleotide Polymorphisms (dbSNP), NHLBI Exome Sequencing Project (ESP), and 1000 Genomes Project. In the ESP, this variant was not observed in 6501 samples (13002 alleles) with coverage at this position. To date, this alteration has been detected with an allele frequency of approximately 0.002% (greater than 175000 alleles tested) in our clinical cohort. This amino acid position is well conserved in available vertebrate species. In addition, this alteration is predicted to be tolerated by in silico analysis. Since supporting evidence is limited at this time, the clinical significance of this alteration remains unclear.

Labcorp Genetics (formerly Invitae), Labcorp
Classification: Uncertain significance for Hereditary cancer-predisposing syndrome. Last evaluated: 2023-06-09. Review status: criteria provided, single submitter. Criteria: Invitae Variant Classification Sherloc (09022015). Collection method: clinical testing. Allele origin: germline.
Comment: This sequence change replaces isoleucine, which is neutral and non-polar, with threonine, which is neutral and polar, at codon 1086 of the RAD50 protein (p.Ile1086Thr). This variant is not present in population databases (gnomAD no frequency). This variant has not been reported in the literature in individuals affected with RAD50-related conditions. ClinVar contains an entry for this variant (Variation ID: 141187). Advanced modeling of protein sequence and biophysical properties (such as structural, functional, and spatial information, amino acid conservation, physicochemical variation, residue mobility, and thermodynamic stability) performed at Invitae indicates that this missense variant is not expected to disrupt RAD50 protein function. In summary, the available evidence is currently insufficient to determine the role of this variant in disease. Therefore, it has been classified as a Variant of Uncertain Significance.